The following is an entry in ClinVar:

ClinVar aggregate classification (germline): Uncertain significance (1 of 4 stars; one submission).

Conditions:
Autosomal dominant nocturnal frontal lobe epilepsy 5. Also called: CILIARY DYSKINESIA, PRIMARY, 28, WITH SITUS INVERSUS; KCNT1-Related Epilepsy; CILIARY DYSKINESIA, PRIMARY, 28, WITHOUT SITUS INVERSUS; Epilepsy, nocturnal frontal lobe, 5. Identifiers: Orphanet 98784, MedGen C3554306, MONDO:0014002, OMIM 615005.
Developmental and epileptic encephalopathy, 14 (DEE14). Also called: Early infantile epileptic encephalopathy 14. Identifiers: Orphanet 293181, MedGen C3554195, MONDO:0013989, OMIM 614959.

Allele frequency attached by ClinVar (database versions not stated): gnomAD exomes 0.00001; ESP Exome Variant Server 0.00008.
gnomAD v4.1: 4 of 1,606,822 alleles (0.00025%); highest among the groups gnomAD compares: East Asian, 0.0022%; no homozygotes.

Submission:

Labcorp Genetics (formerly Invitae), Labcorp
Classification: Uncertain significance for Autosomal dominant nocturnal frontal lobe epilepsy 5; Developmental and epileptic encephalopathy, 14. Last evaluated: 2024-02-23. Review status: criteria provided, single submitter. Criteria: Invitae Variant Classification Sherloc (09022015). Collection method: clinical testing. Allele origin: germline.
Comment: This sequence change replaces threonine, which is neutral and polar, with methionine, which is neutral and non-polar, at codon 1001 of the KCNT1 protein (p.Thr1001Met). This variant is present in population databases (rs372775166, gnomAD 0.002%). This variant has not been reported in the literature in individuals affected with KCNT1-related conditions. ClinVar contains an entry for this variant (Variation ID: 1367382). Advanced modeling of protein sequence and biophysical properties (such as structural, functional, and spatial information, amino acid conservation, physicochemical variation, residue mobility, and thermodynamic stability) performed at Invitae indicates that this missense variant is not expected to disrupt KCNT1 protein function with a negative predictive value of 80%. In summary, the available evidence is currently insufficient to determine the role of this variant in disease. Therefore, it has been classified as a Variant of Uncertain Significance.

NM_020822.3(KCNT1):c.3002C>T (p.Thr1001Met)

Gene: KCNT1 (potassium sodium-activated channel subfamily T member 1; plus strand). Cytogenetic location: 9q34.3.
Variant type: single nucleotide variant.
Coding change: c.3002C>T on transcript NM_020822.3 (MANE Select); coding-DNA position 3002, C replaced by T.
Protein change: p.Thr1001Met; replaces threonine 1001 with methionine.
Molecular consequence: missense variant.
Genome position (GRCh38, 1-based): chr9:135,784,593, C>T. VCF-style: chr9-135784593-C-T. GRCh37 (hg19) VCF-style: chr9-138676439-C-T.
Other names: c.2867C>T, p.Thr956Met (NM_001272003.2); short protein forms T1001M, T956M.
Identifiers: ClinVar variation 1367382 (VCV001367382.8), dbSNP rs372775166, ClinGen allele CA5327554.